The following is an entry in ClinVar:

ClinVar aggregate classification (germline): Uncertain significance (1 of 4 stars; one submission).

Conditions:
Tuberous sclerosis 1 (TSC1). Identifiers: Orphanet 805, MedGen C1854465, MONDO:0008612, OMIM 191100.

Submission:

Labcorp Genetics (formerly Invitae), Labcorp
Classification: Uncertain significance for Tuberous sclerosis 1. Last evaluated: 2022-08-22. Review status: criteria provided, single submitter. Criteria: Invitae Variant Classification Sherloc (09022015). Collection method: clinical testing. Allele origin: germline.
Comment: This variant is not present in population databases (gnomAD no frequency). This sequence change replaces glutamic acid, which is acidic and polar, with aspartic acid, which is acidic and polar, at codon 1094 of the TSC1 protein (p.Glu1094Asp). This variant has not been reported in the literature in individuals affected with TSC1-related conditions. In summary, the available evidence is currently insufficient to determine the role of this variant in disease. Therefore, it has been classified as a Variant of Uncertain Significance. Algorithms developed to predict the effect of missense changes on protein structure and function are either unavailable or do not agree on the potential impact of this missense change (SIFT: "Tolerated"; PolyPhen-2: "Probably Damaging"; Align-GVGD: "Class C0").

NM_000368.5(TSC1):c.3282G>T (p.Glu1094Asp)

Gene: TSC1 (TSC complex subunit 1; minus strand). Cytogenetic location: 9q34.13.
Variant type: single nucleotide variant.
Coding change: c.3282G>T on transcript NM_000368.5 (MANE Select); coding-DNA position 3282, G replaced by T.
Protein change: p.Glu1094Asp; replaces glutamic acid 1094 with aspartic acid.
Molecular consequence: missense variant.
Genome position (GRCh38, 1-based): chr9:132,896,448, C>A on the plus strand (G>T on the coding strand, the complement: TSC1 is on the minus strand). VCF-style: chr9-132896448-C-A. GRCh37 (hg19) VCF-style: chr9-135771835-C-A.
Other names: c.2919G>T, p.Glu973Asp (NM_001406618.1, NM_001406619.1, NM_001406615.1 and 4 more transcripts); c.2916G>T, p.Glu972Asp (NM_001406620.1, NM_001406621.1, NM_001406622.1 and 1 more transcripts); c.3279G>T, p.Glu1093Asp (NM_001162426.2, NM_001406597.1, NM_001406598.1 and 2 more transcripts); c.3129G>T, p.Glu1043Asp (NM_001162427.2, NM_001406610.1); c.3282G>T, p.Glu1094Asp (NM_001406592.1, NM_001406593.1, NM_001406594.1 and 2 more transcripts); c.2331G>T, p.Glu777Asp (NM_001406626.1); c.2328G>T, p.Glu776Asp (NM_001406627.1, NM_001406628.1); c.3240G>T, p.Glu1080Asp (NM_001406605.1, NM_001406606.1, NM_001406607.1); and 8 more; short protein forms E1028D, E1042D, E1043D, E1079D, E1080D, E1088D, E1089D, E1093D.
Identifiers: ClinVar variation 1717577 (VCV001717577.5), dbSNP rs116747861, ClinGen allele CA375366739.